The following is an entry in ClinVar:

NM_001292063.2(OTOG):c.5517T>C (p.Thr1839=)

Gene: OTOG (otogelin; plus strand). Cytogenetic location: 11p15.1.
Variant type: single nucleotide variant.
Coding change: c.5517T>C on transcript NM_001292063.2 (MANE Select); coding-DNA position 5517, T replaced by C.
Protein change: p.Thr1839=; no amino-acid change (threonine 1839 retained).
Molecular consequence: synonymous variant.
Genome position (GRCh38, 1-based): chr11:17,610,817, T>C. VCF-style: chr11-17610817-T-C. GRCh37 (hg19) VCF-style: chr11-17632364-T-C.
Other names: c.5553T>C, p.Thr1851= (NM_001277269.2).
Identifiers: ClinVar variation 2641652 (VCV002641652.24), dbSNP rs1481243061, ClinGen allele CA473518001.

ClinVar aggregate classification (germline): Likely benign (1 of 4 stars; one submission).

Allele frequency attached by ClinVar (database versions not stated): TOPMed below 0.00001; gnomAD 0.00001; gnomAD exomes 0.00001.
gnomAD v4.1: 10 of 1,550,744 alleles (0.00064%); highest among the groups gnomAD compares: Non-Finnish European, 0.00087%; no homozygotes.

Submission:

CeGaT Center for Human Genetics Tuebingen
Classification: Likely benign. Last evaluated: 2022-11-01. Review status: criteria provided, single submitter. Criteria: CeGaT Center For Human Genetics Tuebingen Variant Classification Criteria Version 2. Collection method: clinical testing. Allele origin: germline. Affected: yes. Observed: 1 variant allele.
Comment: OTOG: BP4, BP7